The following is an entry in ClinVar:

ClinVar aggregate classification (germline): Uncertain significance (1 of 4 stars; one submission).

Conditions:
Hereditary cancer-predisposing syndrome. Also called: Neoplastic Syndromes, Hereditary; Tumor predisposition; Hereditary Cancer Syndrome; Hereditary neoplastic syndrome. Identifiers: Orphanet 140162, MedGen C0027672, MeSH D009386, MONDO:0015356.

gnomAD v4.1: 1 of 1,612,956 alleles (0.000062%); highest among the groups gnomAD compares: Non-Finnish European, 0.000085%; no homozygotes.

Submission:

Ambry Genetics
Classification: Uncertain significance for Hereditary cancer-predisposing syndrome. Last evaluated: 2024-11-29. Review status: criteria provided, single submitter. Criteria: Ambry Variant Classification Scheme 2023. Collection method: clinical testing. Allele origin: germline.
Comment: The c.1683A>G variant (also known as p.K561K), located in coding exon 4 of the PALB2 gene, results from an A to G substitution at nucleotide position 1683. This nucleotide substitution does not change the at codon 561. However, this change occurs in the second to last base pair of coding exon 4, which makes it likely to have some effect on normal mRNA splicing. This nucleotide position is well conserved in available vertebrate species. In silico splice site analysis predicts that this alteration will weaken the native splice donor site; however, direct evidence is insufficient at this time (Ambry internal data). Based on the available evidence, the clinical significance of this variant remains unclear.

NM_024675.4(PALB2):c.1683A>G (p.Lys561=)

Gene: PALB2 (partner and localizer of BRCA2; minus strand). Cytogenetic location: 16p12.2.
Variant type: single nucleotide variant.
Coding change: c.1683A>G on transcript NM_024675.4 (MANE Select); coding-DNA position 1683, A replaced by G.
Protein change: p.Lys561=; no amino-acid change (lysine 561 retained).
Molecular consequence: synonymous variant. On other transcripts: intron variant (3).
Genome position (GRCh38, 1-based): chr16:23,634,863, T>C on the plus strand (A>G on the coding strand, the complement: PALB2 is on the minus strand). VCF-style: chr16-23634863-T-C. GRCh37 (hg19) VCF-style: chr16-23646184-T-C.
Other names: c.1623A>G, p.Lys541= (NM_001407296.1); c.1683A>G, p.Lys561= (NM_001407297.1, NM_001407298.1, NM_001407299.1 and 3 more transcripts); c.798A>G, p.Lys266= (NM_001407304.1, NM_001407305.1, NM_001407306.1 and 5 more transcripts); c.49-5588A>G (NM_001407314.1); c.-104-4394A>G (NM_001407313.1, NM_001407312.1).
Identifiers: ClinVar variation 3413399 (VCV003413399.1).